The following is an entry in ClinVar:

NM_001130965.3(SUN1):c.691G>C (p.Gly231Arg)

Gene: SUN1 (Sad1 and UNC84 domain containing 1; plus strand). Cytogenetic location: 7p22.3.
Variant type: single nucleotide variant.
Coding change: c.691G>C on transcript NM_001130965.3 (MANE Select); coding-DNA position 691, G replaced by C.
Protein change: p.Gly231Arg; replaces glycine 231 with arginine.
Molecular consequence: missense variant. On other transcripts: synonymous variant (1), non-coding transcript variant (3), intron variant (12).
Genome position (GRCh38, 1-based): chr7:851,416, G>C. VCF-style: chr7-851416-G-C. GRCh37 (hg19) VCF-style: chr7-891053-G-C.
Other names: c.691G>C, p.Gly231Arg (NM_001367633.1, NM_001367634.1, NM_001367672.1 and 3 more transcripts); c.345G>C, p.Ser115= (NM_001367635.1); c.934G>C, p.Gly312Arg (NM_001367636.1, NM_001367666.1, NM_001367691.1 and 1 more transcripts); c.802G>C, p.Gly268Arg (NM_001367638.1, NM_001367696.1, NM_001367664.1 and 1 more transcripts); c.235G>C, p.Gly79Arg (NM_001367639.1); c.973G>C, p.Gly325Arg (NM_001367641.1, NM_001367698.1, NM_001367682.1); c.886G>C, p.Gly296Arg (NM_001367643.1, NM_001367693.1, NM_001367697.1); c.625G>C, p.Gly209Arg (NM_001367644.1, NM_001367701.1, NM_001367680.1); and 24 more; short protein forms G218R, G297R, G312R, G325R, G369R, G231R, G246R, G247R.
Identifiers: ClinVar variation 1363128 (VCV001363128.8), dbSNP rs753073325, ClinGen allele CA366528772.
Genomic context (GRCh38, chr7:851,416, plus strand): 5'-TGAGGCCACACACGTCTTCCCTGCACAGGTTACTTCTTGCTGCAGATTCTGCGCAGGATC[G>C]GAGCTGTGGGCCAGGCTGTGTCCAGGACGGCGTGGTCGGCCCTTTGGCTGGCCGTGGTTG-3'
Protein context (NP_001124437.1, residues 221-241): YFLLQILRRI[Gly231Arg]AVGQAVSRTA

ClinVar aggregate classification (germline): Uncertain significance (1 of 4 stars; one submission).

Conditions:
Emery-Dreifuss muscular dystrophy (EDMD). Also called: Scapuloperoneal syndrome, X-linked (formerly); Humeroperoneal neuromuscular disease, (formerly). Identifiers: Orphanet 261, MedGen C0410189, MONDO:0016830.

Submission:

Labcorp Genetics (formerly Invitae), Labcorp
Classification: Uncertain significance for Emery-Dreifuss muscular dystrophy. Last evaluated: 2025-03-17. Review status: criteria provided, single submitter. Criteria: Invitae Variant Classification Sherloc (09022015). Collection method: clinical testing. Allele origin: germline.
Comment: This sequence change replaces glycine, which is neutral and non-polar, with arginine, which is basic and polar, at codon 231 of the SUN1 protein (p.Gly231Arg). This variant is not present in population databases (gnomAD no frequency). This variant has not been reported in the literature in individuals affected with SUN1-related conditions. ClinVar contains an entry for this variant (Variation ID: 1363128). An algorithm developed to predict the effect of missense changes on protein structure and function outputs the following: PolyPhen-2: "Probably Damaging". The arginine amino acid residue is found in multiple mammalian species, which suggests that this missense change does not adversely affect protein function. In summary, the available evidence is currently insufficient to determine the role of this variant in disease. Therefore, it has been classified as a Variant of Uncertain Significance.